The following is an entry in ClinVar:

ClinVar aggregate classification (germline): Benign/Likely benign. Review status: criteria provided, multiple submitters, no conflicts (2 of 4 stars). 3 submissions from 3 submitters: Benign (2); Likely benign (1). Last evaluated 2026-01-18.

Allele frequency attached by ClinVar (database versions not stated): 1000 Genomes Project 0.00220; 1000 Genomes Project 30x 0.00234; ESP Exome Variant Server 0.00246; gnomAD 0.00262; TOPMed 0.00277.
gnomAD v4.1: 827 of 1,607,808 alleles (0.051%); highest among the groups gnomAD compares: African/African-American, 0.95%; 6 homozygotes.

Submissions (3):

Labcorp Genetics (formerly Invitae), Labcorp
Classification: Benign. Last evaluated: 2026-01-18. Review status: criteria provided, single submitter. Criteria: Invitae Variant Classification Sherloc (09022015). Collection method: clinical testing. Allele origin: germline.

CeGaT Center for Human Genetics Tuebingen
Classification: Likely benign. Last evaluated: 2025-12-01. Review status: criteria provided, single submitter. Criteria: CeGaT Center For Human Genetics Tuebingen Variant Classification Criteria Version 2. Collection method: clinical testing. Allele origin: germline. Affected: yes. Observed: 1 variant allele.
Comment: NLGN2: BP4, BP7

Breakthrough Genomics
Classification: Benign. Review status: criteria provided, single submitter. Criteria: ACMG Guidelines, 2015. Collection method: not provided. Allele origin: germline. Inheritance: Unknown mechanism. Affected: yes.

NM_020795.4(NLGN2):c.2121G>T (p.Leu707=)

Gene: NLGN2 (neuroligin 2; plus strand). Cytogenetic location: 17p13.1.
Variant type: single nucleotide variant.
Coding change: c.2121G>T on transcript NM_020795.4 (MANE Select); coding-DNA position 2121, G replaced by T.
Protein change: p.Leu707=; no amino-acid change (leucine 707 retained).
Molecular consequence: synonymous variant.
Genome position (GRCh38, 1-based): chr17:7,417,412, G>T. VCF-style: chr17-7417412-G-T. GRCh37 (hg19) VCF-style: chr17-7320731-G-T.
Identifiers: ClinVar variation 719535 (VCV000719535.15), dbSNP rs139407430, ClinGen allele CA8346223.